The following is an entry in ClinVar:

NM_002485.5(NBN):c.228_231dup (p.Val78fs)

Gene: NBN (nibrin; minus strand). Cytogenetic location: 8q21.3.
Variant type: Duplication.
Coding change: c.228_231dup on transcript NM_002485.5 (MANE Select); coding-DNA positions 228 to 231, 4 bases duplicated (CTTT; older notation c.228_231dupCTTT).
Protein change: p.Val78fs; shifts the reading frame from valine 78.
Molecular consequence: frameshift variant. On other transcripts: 5 prime UTR variant (1).
Genome position (GRCh38, 1-based): chr8:89,981,464-89,981,467, AAAG duplicated on the plus strand (CTTT on the coding strand, the reverse complement: NBN is on the minus strand). VCF-style (leftmost placement, unchanged base first): chr8-89981463-C-CAAAG. GRCh37 (hg19) VCF-style: chr8-90993691-C-CAAAG.
Other names: c.-19_-16dup (NM_001024688.3); short protein forms V78fs.
Identifiers: ClinVar variation 1075823 (VCV001075823.9), dbSNP rs2129915522, ClinGen allele CA2499219445.
Genomic context (GRCh38, chr8:89,981,463, plus strand): 5'-TAATACCATCCCCCGACTTCAAAGTTCGGGAAAAGCCATTCTGCATTTTTTCCTCATTAA[C>CAAAG]AAAGGTACCATACTTAGAATTATCTTTTAATGTCAATACAGGGATTTCATCTGTTTGACT-3'

ClinVar aggregate classification (germline): Pathogenic. Review status: criteria provided, multiple submitters, no conflicts (2 of 4 stars). 2 submissions from 2 submitters: Pathogenic (2). Last evaluated 2023-04-26.

Conditions:
Hereditary cancer-predisposing syndrome. Also called: Neoplastic Syndromes, Hereditary; Hereditary neoplastic syndrome; Tumor predisposition; Hereditary Cancer Syndrome. Identifiers: Orphanet 140162, MedGen C0027672, MeSH D009386, MONDO:0015356.
Microcephaly, normal intelligence and immunodeficiency (NBS). Also called: SEEMANOVA SYNDROME II; Immunodeficiency, microcephaly with normal intelligence; IMMUNODEFICIENCY, MICROCEPHALY, AND CHROMOSOMAL INSTABILITY; Ataxia telangiectasia variant V1; BERLIN BREAKAGE SYNDROME; Nijmegen breakage syndrome. Identifiers: Orphanet 647, MedGen C0398791, MONDO:0009623, OMIM 251260.

Submissions (2):

Ambry Genetics
Classification: Pathogenic for Hereditary cancer-predisposing syndrome. Last evaluated: 2023-04-26. Review status: criteria provided, single submitter. Criteria: Ambry Variant Classification Scheme 2023. Collection method: clinical testing. Allele origin: germline.
Comment: The c.228_231dupCTTT pathogenic mutation, located in coding exon 3 of the NBN gene, results from a duplication of CTTT at nucleotide position 228, causing a translational frameshift with a predicted alternate stop codon (p.V78Lfs*3). This alteration is expected to result in loss of function by premature protein truncation or nonsense-mediated mRNA decay. As such, this alteration is interpreted as a disease-causing mutation.

Labcorp Genetics (formerly Invitae), Labcorp
Classification: Pathogenic for Microcephaly, normal intelligence and immunodeficiency. Last evaluated: 2021-10-19. Review status: criteria provided, single submitter. Criteria: Invitae Variant Classification Sherloc (09022015). Collection method: clinical testing. Allele origin: germline.
Comment: For these reasons, this variant has been classified as Pathogenic. ClinVar contains an entry for this variant (Variation ID: 1075823). This variant has not been reported in the literature in individuals affected with NBN-related conditions. This variant is not present in population databases (gnomAD no frequency). This sequence change creates a premature translational stop signal (p.Val78Leufs*3) in the NBN gene. It is expected to result in an absent or disrupted protein product. Loss-of-function variants in NBN are known to be pathogenic (PMID: 9590180, 16415040).

Literature cited by the submitters: PubMed 9590180 (cited by Labcorp Genetics (formerly Invitae), Labcorp); PubMed 16415040 (cited by Labcorp Genetics (formerly Invitae), Labcorp).